The following is an entry in ClinVar:

ClinVar aggregate classification (germline): Uncertain significance (1 of 4 stars; one submission).

Conditions:
Werner syndrome (WRN). Identifiers: Orphanet 902, MedGen C0043119, MONDO:0010196, OMIM 277700.

Submission:

Labcorp Genetics (formerly Invitae), Labcorp
Classification: Uncertain significance for Werner syndrome. Last evaluated: 2021-09-15. Review status: criteria provided, single submitter. Criteria: Invitae Variant Classification Sherloc (09022015). Collection method: clinical testing. Allele origin: germline.
Comment: This sequence change falls in intron 12 of the WRN gene. It does not directly change the encoded amino acid sequence of the WRN protein. It affects a nucleotide within the consensus splice site of the intron. This variant is not present in population databases (ExAC no frequency). This variant has not been reported in the literature in individuals with WRN-related conditions. Nucleotide substitutions within the consensus splice site are a relatively common cause of aberrant splicing (PMID: 17576681, 9536098). Algorithms developed to predict the effect of sequence changes on RNA splicing suggest that this variant is not likely to affect RNA splicing, but this prediction has not been confirmed by published transcriptional studies. In summary, the available evidence is currently insufficient to determine the role of this variant in disease. Therefore, it has been classified as a Variant of Uncertain Significance.

Literature cited by the submitters: PubMed 17576681; PubMed 9536098.

NM_000553.6(WRN):c.1576+3A>G

Gene: WRN (WRN RecQ like helicase; plus strand). Cytogenetic location: 8p12.
Variant type: single nucleotide variant.
Coding change: c.1576+3A>G on transcript NM_000553.6 (MANE Select); 3 bases into the intron after coding-DNA position 1576, A replaced by G.
Molecular consequence: intron variant.
Genome position (GRCh38, 1-based): chr8:31,087,923, A>G. VCF-style: chr8-31087923-A-G. GRCh37 (hg19) VCF-style: chr8-30945439-A-G.
Identifiers: ClinVar variation 1493077 (VCV001493077.3), dbSNP rs2130157737, ClinGen allele CA2573142722.